The following is an entry in ClinVar:

NM_003361.4(UMOD):c.970A>G (p.Thr324Ala)

Gene: UMOD (uromodulin; minus strand). Cytogenetic location: 16p12.3.
Variant type: single nucleotide variant.
Coding change: c.970A>G on transcript NM_003361.4 (MANE Select); coding-DNA position 970, A replaced by G.
Protein change: p.Thr324Ala; replaces threonine 324 with alanine.
Molecular consequence: missense variant. On other transcripts: non-coding transcript variant (1).
Genome position (GRCh38, 1-based): chr16:20,348,226, T>C on the plus strand (A>G on the coding strand, the complement: UMOD is on the minus strand). VCF-style: chr16-20348226-T-C. GRCh37 (hg19) VCF-style: chr16-20359548-T-C.
Other names: c.970A>G, p.Thr324Ala (NM_001008389.3, NM_001378232.1, NM_001378233.1 and 3 more transcripts); c.1069A>G, p.Thr357Ala (NM_001278614.2); short protein forms T324A, T357A.
Identifiers: ClinVar variation 1957491 (VCV001957491.5), dbSNP rs752403214, ClinGen allele CA7939350.

ClinVar aggregate classification (germline): Uncertain significance (1 of 4 stars; one submission).

Allele frequency attached by ClinVar (database versions not stated): TOPMed below 0.00001; ExAC 0.00002; gnomAD exomes 0.00003.
gnomAD v4.1: 44 of 1,613,886 alleles (0.0027%); highest among the groups gnomAD compares: Non-Finnish European, 0.0037%; no homozygotes.

Submission:

Labcorp Genetics (formerly Invitae), Labcorp
Classification: Uncertain significance. Last evaluated: 2024-05-08. Review status: criteria provided, single submitter. Criteria: Invitae Variant Classification Sherloc (09022015). Collection method: clinical testing. Allele origin: germline.
Comment: This sequence change replaces threonine, which is neutral and polar, with alanine, which is neutral and non-polar, at codon 324 of the UMOD protein (p.Thr324Ala). This variant is present in population databases (rs752403214, gnomAD 0.004%). This variant has not been reported in the literature in individuals affected with UMOD-related conditions. ClinVar contains an entry for this variant (Variation ID: 1957491). Advanced modeling of protein sequence and biophysical properties (such as structural, functional, and spatial information, amino acid conservation, physicochemical variation, residue mobility, and thermodynamic stability) performed at Invitae indicates that this missense variant is not expected to disrupt UMOD protein function with a negative predictive value of 95%. In summary, the available evidence is currently insufficient to determine the role of this variant in disease. Therefore, it has been classified as a Variant of Uncertain Significance.